The following is an entry in ClinVar:

NM_003803.4(MYOM1):c.822C>T (p.Leu274=)

Gene: MYOM1 (myomesin 1; minus strand). Cytogenetic location: 18p11.31.
Variant type: single nucleotide variant.
Coding change: c.822C>T on transcript NM_003803.4 (MANE Select); coding-DNA position 822, C replaced by T.
Protein change: p.Leu274=; no amino-acid change (leucine 274 retained).
Molecular consequence: synonymous variant.
Genome position (GRCh38, 1-based): chr18:3,187,587, G>A on the plus strand (C>T on the coding strand, the complement: MYOM1 is on the minus strand). VCF-style: chr18-3187587-G-A. GRCh37 (hg19) VCF-style: chr18-3187585-G-A.
Other names: c.822C>T, p.Leu274= (NM_019856.2).
Identifiers: ClinVar variation 416046 (VCV000416046.15), dbSNP rs201409582, ClinGen allele CA8875142.

ClinVar aggregate classification (germline): Likely benign. Review status: criteria provided, multiple submitters, no conflicts (2 of 4 stars). 3 submissions from 3 submitters: Likely benign (2). 1 of the submissions does not count toward it. Last evaluated 2026-02-03.

Conditions:
Hypertrophic cardiomyopathy. Also called: HYPERTROPHIC MYOCARDIOPATHY. Identifiers: Orphanet 217569, MedGen C0007194, MeSH D002312, MONDO:0005045, HP:0001639.
MYOM1-related disorder.

Allele frequency attached by ClinVar (database versions not stated): ExAC 0.00031; ESP Exome Variant Server 0.00041; gnomAD exomes 0.00043 and 0.00064; TOPMed 0.00046.
gnomAD v4.1: 970 of 1,613,290 alleles (0.06%); highest among the groups gnomAD compares: Non-Finnish European, 0.076%; no homozygotes.

Submissions (3):

Labcorp Genetics (formerly Invitae), Labcorp
Classification: Likely benign for Hypertrophic cardiomyopathy. Last evaluated: 2026-02-03. Review status: criteria provided, single submitter. Criteria: Invitae Variant Classification Sherloc (09022015). Collection method: clinical testing. Allele origin: germline.

Ambry Genetics
Classification: Likely benign. Last evaluated: 2022-03-03. Review status: criteria provided, single submitter. Criteria: Ambry Variant Classification Scheme 2023. Collection method: clinical testing. Allele origin: germline.

PreventionGenetics, part of Exact Sciences
Classification: Likely benign for MYOM1-related condition. Last evaluated: 2019-11-07. Review status: no assertion criteria provided. Collection method: clinical testing. Allele origin: germline. Not counted in ClinVar's aggregate classification.
Comment: This variant is classified as likely benign based on ACMG/AMP sequence variant interpretation guidelines (Richards et al. 2015 PMID: 25741868, with internal and published modifications).